The following is an entry in ClinVar:

ClinVar aggregate classification (germline): Uncertain significance (1 of 4 stars; one submission).

Submission:

Labcorp Genetics (formerly Invitae), Labcorp
Classification: Uncertain significance. Last evaluated: 2024-08-28. Review status: criteria provided, single submitter. Criteria: Invitae Variant Classification Sherloc (09022015). Collection method: clinical testing. Allele origin: germline.
Comment: This sequence change replaces histidine, which is basic and polar, with arginine, which is basic and polar, at codon 867 of the FLNB protein (p.His867Arg). This variant is not present in population databases (gnomAD no frequency). This variant has not been reported in the literature in individuals affected with FLNB-related conditions. Invitae Evidence Modeling of protein sequence and biophysical properties (such as structural, functional, and spatial information, amino acid conservation, physicochemical variation, residue mobility, and thermodynamic stability) indicates that this missense variant is not expected to disrupt FLNB protein function with a negative predictive value of 95%. In summary, the available evidence is currently insufficient to determine the role of this variant in disease. Therefore, it has been classified as a Variant of Uncertain Significance.

NM_001457.4(FLNB):c.2600A>G (p.His867Arg)

Gene: FLNB (filamin B; plus strand). Cytogenetic location: 3p14.3.
Variant type: single nucleotide variant.
Coding change: c.2600A>G on transcript NM_001457.4 (MANE Select); coding-DNA position 2600, A replaced by G.
Protein change: p.His867Arg; replaces histidine 867 with arginine.
Molecular consequence: missense variant.
Genome position (GRCh38, 1-based): chr3:58,112,173, A>G. VCF-style: chr3-58112173-A-G. GRCh37 (hg19) VCF-style: chr3-58097900-A-G.
Other names: c.2600A>G, p.His867Arg (NM_001164317.2, NM_001164318.2, NM_001164319.2); short protein forms H867R.
Identifiers: ClinVar variation 3626556 (VCV003626556.2).